The following is an entry in ClinVar:

NM_000051.4(ATM):c.2376+3A>G

Gene: ATM (ATM serine/threonine kinase; plus strand). Cytogenetic location: 11q22.3.
Variant type: single nucleotide variant.
Coding change: c.2376+3A>G on transcript NM_000051.4 (MANE Select); 3 bases into the intron after coding-DNA position 2376, A replaced by G.
Molecular consequence: intron variant.
Genome position (GRCh38, 1-based): chr11:108,257,609, A>G. VCF-style: chr11-108257609-A-G. GRCh37 (hg19) VCF-style: chr11-108128336-A-G.
Other names: c.2376+3A>G (NM_001351834.2).
Identifiers: ClinVar variation 479052 (VCV000479052.14), dbSNP rs758083563, ClinGen allele CA6264998.

ClinVar aggregate classification (germline): Conflicting classifications of pathogenicity. Review status: criteria provided, conflicting classifications (1 of 4 stars). 3 submissions from 3 submitters: Uncertain significance (1); Likely benign (2). Last evaluated 2025-03-19.

Conditions:
Hereditary cancer-predisposing syndrome. Also called: Tumor predisposition; Neoplastic Syndromes, Hereditary; Hereditary Cancer Syndrome; Hereditary neoplastic syndrome. Identifiers: Orphanet 140162, MedGen C0027672, MeSH D009386, MONDO:0015356.
Ataxia-telangiectasia syndrome (AT). Also called: Cerebello-oculocutaneous telangiectasia; Immunodeficiency with ataxia telangiectasia; ATAXIA-TELANGIECTASIA, COMPLEMENTATION GROUP A; Ataxia-telangiectasia, complementation group D; AT, COMPLEMENTATION GROUP C; ATAXIA-TELANGIECTASIA, FRESNO VARIANT. Identifiers: Orphanet 100, MedGen C0004135, MONDO:0008840, OMIM 208900.

Allele frequency attached by ClinVar (database versions not stated): ExAC 0.00001.
gnomAD v4.1: 1 of 1,613,198 alleles (0.000062%); highest among the groups gnomAD compares: Non-Finnish European, 0.000085%; no homozygotes.

Submissions (3):

Labcorp Genetics (formerly Invitae), Labcorp
Classification: Likely benign for Ataxia-telangiectasia syndrome. Last evaluated: 2025-03-19. Review status: criteria provided, single submitter. Criteria: Invitae Variant Classification Sherloc (09022015). Collection method: clinical testing. Allele origin: germline.

Ambry Genetics
Classification: Likely benign for Hereditary cancer-predisposing syndrome. Last evaluated: 2022-08-04. Review status: criteria provided, single submitter. Criteria: Ambry Variant Classification Scheme 2023. Collection method: clinical testing. Allele origin: germline.

Color Diagnostics, LLC DBA Color Health
Classification: Uncertain significance for Hereditary cancer-predisposing syndrome. Last evaluated: 2020-05-11. Review status: criteria provided, single submitter. Criteria: ACMG Guidelines, 2015. Collection method: clinical testing. Allele origin: germline.
Comment: This variant causes an A to G nucleotide substitution at the +3 position of intron 15 of the ATM gene. To our knowledge, functional studies have not been reported for this variant. This variant has not been reported in individuals affected with hereditary cancer in the literature. This variant has not been identified in the general population by the Genome Aggregation Database (gnomAD). The available evidence is insufficient to determine the role of this variant in disease conclusively. Therefore, this variant is classified as a Variant of Uncertain Significance.